The following is an entry in ClinVar:

NM_024675.4(PALB2):c.1959_1966del (p.Ile654fs)

Gene: PALB2 (partner and localizer of BRCA2; minus strand). Cytogenetic location: 16p12.2.
Variant type: Deletion.
Coding change: c.1959_1966del on transcript NM_024675.4 (MANE Select); coding-DNA positions 1959 to 1966, 8 bases deleted (TATTTTTC; older notation c.1959_1966delTATTTTTC).
Protein change: p.Ile654fs; shifts the reading frame from isoleucine 654.
Molecular consequence: frameshift variant.
Genome position (GRCh38, 1-based): chr16:23,630,188-23,630,195, GAAAAATA deleted on the plus strand (TATTTTTC on the coding strand, the reverse complement: PALB2 is on the minus strand). VCF-style (leftmost placement, unchanged base first): chr16-23630187-GGAAAAATA-G. GRCh37 (hg19) VCF-style: chr16-23641508-GGAAAAATA-G.
Other names: c.1899_1906delTATTTTTC, p.Ile634Argfs (NM_001407296.1); c.1959_1966delTATTTTTC, p.Ile654Argfs (NM_001407297.1, NM_001407298.1, NM_001407299.1 and 3 more transcripts); c.1074_1081delTATTTTTC, p.Ile359Argfs (NM_001407304.1, NM_001407305.1, NM_001407306.1 and 5 more transcripts); c.171_178delTATTTTTC, p.Ile58Argfs (NM_001407312.1, NM_001407313.1); short protein forms I654fs.
Identifiers: ClinVar variation 2107063 (VCV002107063.4), dbSNP rs2506428661, ClinGen allele CA2580091376.

ClinVar aggregate classification (germline): Pathogenic (1 of 4 stars; one submission).

Conditions:
Familial cancer of breast. Also called: hereditary breast carcinoma; BREAST CANCER, FAMILIAL; Hereditary breast cancer. Identifiers: Orphanet 227535, MedGen C0346153, MONDO:0016419, OMIM 114480. Disease mechanism: loss of function.

Submission:

Labcorp Genetics (formerly Invitae), Labcorp
Classification: Pathogenic for Familial cancer of breast. Last evaluated: 2022-03-05. Review status: criteria provided, single submitter. Criteria: Invitae Variant Classification Sherloc (09022015). Collection method: clinical testing. Allele origin: germline.
Comment: For these reasons, this variant has been classified as Pathogenic. This variant has not been reported in the literature in individuals affected with PALB2-related conditions. This variant is not present in population databases (gnomAD no frequency). This sequence change creates a premature translational stop signal (p.Ile654Argfs*6) in the PALB2 gene. It is expected to result in an absent or disrupted protein product. Loss-of-function variants in PALB2 are known to be pathogenic (PMID: 17200668, 17200671, 17200672, 24136930, 25099575).

Literature cited by the submitters: PubMed 17200668; PubMed 17200671; PubMed 17200672; PubMed 24136930; PubMed 25099575.